The following is an entry in ClinVar:

ClinVar aggregate classification (germline): Uncertain significance (1 of 4 stars; one submission).

Submission:

Labcorp Genetics (formerly Invitae), Labcorp
Classification: Uncertain significance. Last evaluated: 2024-06-10. Review status: criteria provided, single submitter. Criteria: Invitae Variant Classification Sherloc (09022015). Collection method: clinical testing. Allele origin: germline.
Comment: This sequence change replaces glutamine, which is neutral and polar, with arginine, which is basic and polar, at codon 189 of the MSH3 protein (p.Gln189Arg). This variant is not present in population databases (gnomAD no frequency). This variant has not been reported in the literature in individuals affected with MSH3-related conditions. Algorithms developed to predict the effect of missense changes on protein structure and function output the following: SIFT: "Not Available"; PolyPhen-2: "Benign"; Align-GVGD: "Not Available". The arginine amino acid residue is found in multiple mammalian species, which suggests that this missense change does not adversely affect protein function. In summary, the available evidence is currently insufficient to determine the role of this variant in disease. Therefore, it has been classified as a Variant of Uncertain Significance.

NM_002439.5(MSH3):c.566A>G (p.Gln189Arg)

Gene: MSH3 (mutS homolog 3; plus strand). Cytogenetic location: 5q14.1.
Variant type: single nucleotide variant.
Coding change: c.566A>G on transcript NM_002439.5 (MANE Select); coding-DNA position 566, A replaced by G.
Protein change: p.Gln189Arg; replaces glutamine 189 with arginine.
Molecular consequence: missense variant.
Genome position (GRCh38, 1-based): chr5:80,665,350, A>G. VCF-style: chr5-80665350-A-G. GRCh37 (hg19) VCF-style: chr5-79961169-A-G.
Other names: short protein forms Q189R.
Identifiers: ClinVar variation 2999010 (VCV002999010.3), dbSNP rs1749547306, ClinGen allele CA360264575.